The following is an entry in ClinVar:

ClinVar aggregate classification (germline): Likely benign (1 of 4 stars; one submission).

Submission:

CeGaT Center for Human Genetics Tuebingen
Classification: Likely benign. Last evaluated: 2026-03-01. Review status: criteria provided, single submitter. Criteria: CeGaT Center For Human Genetics Tuebingen Variant Classification Criteria Version 2. Collection method: clinical testing. Allele origin: germline. Affected: yes. Observed: 1 variant allele.
Comment: COL25A1: BS1

NM_198721.4(COL25A1):c.1845+2123_1845+2130dup

Gene: COL25A1 (collagen type XXV alpha 1 chain; minus strand). Cytogenetic location: 4q25.
Variant type: Duplication.
Coding change: c.1845+2123_1845+2130dup on transcript NM_198721.4 (MANE Select); bases 2123 to 2130 of the intron after coding-DNA position 1845, 8 bases duplicated (AAAAAAAA; older notation c.1845+2123_1845+2130dupAAAAAAAA).
Molecular consequence: intron variant.
Genome position (GRCh38, 1-based): chr4:108,822,044-108,822,051, TTTTTTTT duplicated on the plus strand (AAAAAAAA on the coding strand, the reverse complement: COL25A1 is on the minus strand); duplicating any 8 consecutive bases within chr4:108,822,044-108,822,060 gives the same sequence; the c. name uses the placement nearest the transcript's 3' end. VCF-style (leftmost placement, unchanged base first): chr4-108822043-A-ATTTTTTTT. GRCh37 (hg19) VCF-style: chr4-109743199-A-ATTTTTTTT.
Identifiers: ClinVar variation 4822471 (VCV004822471.4).
Genomic context (GRCh38, chr4:108,822,043, plus strand): 5'-TTCCTATGCTGTAATGCTGGTAATTTCTTTCTCATAAACGTGAGTATCCTCCTAATGGTA[A>ATTTTTTTT]TTTTTTTTTTTTTTTTTGGGACAGGGTCTCACTCTTGTTGCCCAGGCTGGAGTGCAATGG-3'